The following is an entry in ClinVar:

NM_015910.7(WDPCP):c.757G>A (p.Ala253Thr)

Gene: WDPCP (WD repeat containing planar cell polarity effector; minus strand). Cytogenetic location: 2p15.
Variant type: single nucleotide variant.
Coding change: c.757G>A on transcript NM_015910.7 (MANE Select); coding-DNA position 757, G replaced by A.
Protein change: p.Ala253Thr; replaces alanine 253 with threonine.
Molecular consequence: missense variant. On other transcripts: non-coding transcript variant (3).
Genome position (GRCh38, 1-based): chr2:63,433,813, C>T on the plus strand (G>A on the coding strand, the complement: WDPCP is on the minus strand). VCF-style: chr2-63433813-C-T. GRCh37 (hg19) VCF-style: chr2-63660947-C-T.
Other names: c.757G>A (NM_015910.5); c.280G>A, p.Ala94Thr (NM_001042692.3); c.685G>A, p.Ala229Thr (NM_001354044.2); c.757G>A, p.Ala253Thr (NM_001354045.2); short protein forms A229T, A94T, A253T.
Identifiers: ClinVar variation 1385751 (VCV001385751.9), dbSNP rs531251663, ClinGen allele CA347062454.

ClinVar aggregate classification (germline): Uncertain significance. Review status: criteria provided, multiple submitters, no conflicts (2 of 4 stars). 2 submissions from 2 submitters: Uncertain significance (2). Last evaluated 2024-10-17.

Conditions:
Bardet-Biedl syndrome (BBS). Identifiers: Orphanet 110, MedGen C0752166, MONDO:0015229.
WDPCP-related disorder. Also called: WDPCP-related condition.

Allele frequency attached by ClinVar (database versions not stated): gnomAD 0.00001; TOPMed 0.00001.
gnomAD v4.1: 1 of 1,613,644 alleles (0.000062%); highest among the groups gnomAD compares: African/African-American, 0.0013%; no homozygotes.

Submissions (2):

PreventionGenetics, part of Exact Sciences
Classification: Uncertain significance for WDPCP-related condition. Last evaluated: 2024-10-17. Review status: criteria provided, single submitter. Criteria: ACMG Guidelines, 2015. Collection method: clinical testing. Allele origin: germline.
Comment: The WDPCP c.757G>A variant is predicted to result in the amino acid substitution p.Ala253Thr. To our knowledge, this variant has not been reported in the literature or in a large population database (gnomAD), indicating this variant is rare. At this time, the clinical significance of this variant is uncertain due to the absence of conclusive functional and genetic evidence.

Labcorp Genetics (formerly Invitae), Labcorp
Classification: Uncertain significance for Bardet-Biedl syndrome. Last evaluated: 2021-07-12. Review status: criteria provided, single submitter. Criteria: Invitae Variant Classification Sherloc (09022015). Collection method: clinical testing. Allele origin: germline.
Comment: Algorithms developed to predict the effect of missense changes on protein structure and function output the following: SIFT: "Tolerated"; PolyPhen-2: "Benign"; Align-GVGD: "Class C0". The threonine amino acid residue is found in multiple mammalian species, suggesting that this missense change does not adversely affect protein function. These predictions have not been confirmed by published functional studies and their clinical significance is uncertain. In summary, the available evidence is currently insufficient to determine the role of this variant in disease. Therefore, it has been classified as a Variant of Uncertain Significance. This variant has not been reported in the literature in individuals with WDPCP-related conditions. This variant is not present in population databases (ExAC no frequency). This sequence change replaces alanine with threonine at codon 253 of the WDPCP protein (p.Ala253Thr). The alanine residue is weakly conserved and there is a small physicochemical difference between alanine and threonine.